The following is an entry in ClinVar:

NM_003664.5(AP3B1):c.1367T>C (p.Ile456Thr)

Gene: AP3B1 (adaptor related protein complex 3 subunit beta 1; minus strand). Cytogenetic location: 5q14.1.
Variant type: single nucleotide variant.
Coding change: c.1367T>C on transcript NM_003664.5 (MANE Select); coding-DNA position 1367, T replaced by C.
Protein change: p.Ile456Thr; replaces isoleucine 456 with threonine.
Molecular consequence: missense variant.
Genome position (GRCh38, 1-based): chr5:78,156,364, A>G on the plus strand (T>C on the coding strand, the complement: AP3B1 is on the minus strand). VCF-style: chr5-78156364-A-G. GRCh37 (hg19) VCF-style: chr5-77452188-A-G.
Other names: c.1220T>C, p.Ile407Thr (NM_001271769.2); short protein forms I456T, I407T.
Identifiers: ClinVar variation 354238 (VCV000354238.20), dbSNP rs536306260, ClinGen allele CA3317077.

ClinVar aggregate classification (germline): Benign/Likely benign. Review status: criteria provided, multiple submitters, no conflicts (2 of 4 stars). 7 submissions from 7 submitters: Benign (1); Likely benign (3). 3 of the submissions do not count toward it. Last evaluated 2026-01-27.

Conditions:
AP3B1-related disorder. Also called: AP3B1-related condition.
Hermansky-Pudlak syndrome 2 (HPS2). Also called: Platelet defects and oculocutaneous albinism. Identifiers: Orphanet 183678, Orphanet 79430, MedGen C1842362, MONDO:0011997, OMIM 608233.

Allele frequency attached by ClinVar (database versions not stated): gnomAD 0.00007 and 0.00021; TOPMed 0.00009; gnomAD exomes 0.00028 and 0.00066; 1000 Genomes Project 30x 0.00047; 1000 Genomes Project 0.00060; ExAC 0.00073.
gnomAD v4.1: 441 of 1,600,028 alleles (0.028%); highest among the groups gnomAD compares: South Asian, 0.43%; 11 homozygotes.

Submissions (7):

Labcorp Genetics (formerly Invitae), Labcorp
Classification: Benign for Hermansky-Pudlak syndrome 2. Last evaluated: 2026-01-27. Review status: criteria provided, single submitter. Criteria: Invitae Variant Classification Sherloc (09022015). Collection method: clinical testing. Allele origin: germline.

Women's Health and Genetics/Laboratory Corporation of America, LabCorp
Classification: Likely benign. Last evaluated: 2025-09-03. Review status: criteria provided, single submitter. Criteria: LabCorp Variant Classification Summary - May 2015. Collection method: clinical testing. Allele origin: germline.
Comment: Variant summary: AP3B1 c.1367T>C (p.Ile456Thr) results in a non-conservative amino acid change in the encoded protein sequence. Algorithms developed to predict the effect of missense changes on protein structure and function are either unavailable or do not agree on the potential impact of this missense change. The variant allele was found at a frequency of 0.00066 in 250766 control chromosomes, predominantly at a frequency of 0.0044 within the South Asian subpopulation in the gnomAD database, including 4 homozygotes. The observed variant frequency within South Asian control individuals in the gnomAD database exceeds the estimated maximal expected allele frequency for disease-causing variants in AP3B1. To our knowledge, no occurrence of c.1367T>C in individuals affected with AP3B1-related conditions and no experimental evidence demonstrating its impact on protein function have been reported. ClinVar contains an entry for this variant (Variation ID: 354238). Based on the evidence outlined above, the variant was classified as likely benign.

Fulgent Genetics
Classification: Likely benign for Hermansky-Pudlak syndrome 2. Last evaluated: 2022-05-17. Review status: criteria provided, single submitter. Criteria: ACMG Guidelines, 2015. Collection method: clinical testing. Allele origin: unknown.

Illumina Laboratory Services, Illumina
Classification: Likely benign for Hermansky-Pudlak syndrome 2. Last evaluated: 2018-01-12. Review status: criteria provided, single submitter. Criteria: ICSL Variant Classification Criteria 13 December 2019. Collection method: clinical testing. Allele origin: germline.
Comment: This variant was observed in the ICSL laboratory as part of a predisposition screen in an ostensibly healthy population. It had not been previously curated by ICSL or reported in the Human Gene Mutation Database (HGMD: prior to June 1st, 2018), and was therefore a candidate for classification through an automated scoring system. Utilizing variant allele frequency, disease prevalence and penetrance estimates, and inheritance mode, an automated score was calculated to assess if this variant is too frequent to cause the disease. Based on the score and internal cut-off values, a variant classified as likely benign is not then subjected to further curation. The score for this variant resulted in a classification of likely benign for this disease.

PreventionGenetics, part of Exact Sciences
Classification: Likely benign for AP3B1-related condition. Last evaluated: 2023-05-29. Review status: no assertion criteria provided. Collection method: clinical testing. Allele origin: germline. Not counted in ClinVar's aggregate classification.
Comment: This variant is classified as likely benign based on ACMG/AMP sequence variant interpretation guidelines (Richards et al. 2015 PMID: 25741868, with internal and published modifications).

Clinical Genetics DNA and cytogenetics Diagnostics Lab, Erasmus MC, Erasmus Medical Center
Classification: Likely benign. Review status: no assertion criteria provided. Collection method: clinical testing. Allele origin: germline. Affected: yes. Study: VKGL Data-share Consensus. Not counted in ClinVar's aggregate classification.

Laboratory of Diagnostic Genome Analysis, Leiden University Medical Center (LUMC)
Classification: Likely benign. Review status: no assertion criteria provided. Collection method: clinical testing. Allele origin: germline. Affected: yes. Study: VKGL Data-share Consensus. Not counted in ClinVar's aggregate classification.